The following is an entry in ClinVar:

ClinVar aggregate classification (germline): Uncertain significance (1 of 4 stars; one submission).

Conditions:
MPI-congenital disorder of glycosylation. Also called: PROTEIN-LOSING ENTEROPATHY-HEPATIC FIBROSIS SYNDROME; MPI-CDG; MANNOSEPHOSPHATE ISOMERASE DEFICIENCY; MPI DEFICIENCY; CDG Ib; CONGENITAL DISORDER OF GLYCOSYLATION, TYPE Ib. Identifiers: Orphanet 79319, MedGen C1865145, MONDO:0011257, OMIM 602579.

Allele frequency attached by ClinVar (database versions not stated): gnomAD exomes below 0.00001; gnomAD 0.00001; TOPMed 0.00001; ESP Exome Variant Server 0.00008.
gnomAD v4.1: 4 of 1,614,026 alleles (0.00025%); highest among the groups gnomAD compares: African/African-American, 0.0053%; no homozygotes.

Submission:

Labcorp Genetics (formerly Invitae), Labcorp
Classification: Uncertain significance for MPI-congenital disorder of glycosylation. Last evaluated: 2022-10-24. Review status: criteria provided, single submitter. Criteria: Invitae Variant Classification Sherloc (09022015). Collection method: clinical testing. Allele origin: germline.
Comment: The frequency data for this variant in the population databases is considered unreliable, as metrics indicate poor data quality at this position in the gnomAD database. In summary, the available evidence is currently insufficient to determine the role of this variant in disease. Therefore, it has been classified as a Variant of Uncertain Significance. Variants that disrupt the consensus splice site are a relatively common cause of aberrant splicing (PMID: 17576681, 9536098). Algorithms developed to predict the effect of sequence changes on RNA splicing suggest that this variant is not likely to affect RNA splicing. This variant has not been reported in the literature in individuals affected with MPI-related conditions. This sequence change falls in intron 5 of the MPI gene. It does not directly change the encoded amino acid sequence of the MPI protein. It affects a nucleotide within the consensus splice site.

Literature cited by the submitters: PubMed 17576681; PubMed 9536098.

NM_002435.3(MPI):c.670+3G>A

Gene: MPI (mannose phosphate isomerase; plus strand). Cytogenetic location: 15q24.1.
Variant type: single nucleotide variant.
Coding change: c.670+3G>A on transcript NM_002435.3 (MANE Select); 3 bases into the intron after coding-DNA position 670, G replaced by A.
Molecular consequence: intron variant.
Genome position (GRCh38, 1-based): chr15:74,893,323, G>A. VCF-style: chr15-74893323-G-A. GRCh37 (hg19) VCF-style: chr15-75185664-G-A.
Other names: c.610+3G>A (NM_001330372.2); c.670+3G>A (NM_001289155.2); c.487+521G>A (NM_001289157.2); c.520+3G>A (NM_001289156.2).
Identifiers: ClinVar variation 2420886 (VCV002420886.5), dbSNP rs369009430, ClinGen allele CA272823669.